The following is an entry in ClinVar:

ClinVar aggregate classification (germline): Pathogenic/Likely pathogenic. Review status: criteria provided, multiple submitters, no conflicts (2 of 4 stars). 2 submissions from 2 submitters: Pathogenic (1); Likely pathogenic (1). Last evaluated 2022-12-29.

Conditions:
Duchenne muscular dystrophy (DMD). Also called: MUSCULAR DYSTROPHY, PSEUDOHYPERTROPHIC PROGRESSIVE, DUCHENNE TYPE; Duchenne Muscular Dystrophy (DMD). Identifiers: Orphanet 98896, MedGen C0013264, MONDO:0010679, OMIM 310200.

Submissions (2):

Revvity Omics, Revvity
Classification: Likely pathogenic. Last evaluated: 2022-12-29. Review status: criteria provided, single submitter. Criteria: ACMG Guidelines, 2015. Collection method: clinical testing. Allele origin: germline.

Athena Diagnostics
Classification: Pathogenic for Duchenne muscular dystrophy. Last evaluated: 2012-11-29. Review status: criteria provided, single submitter. Criteria: Athena Diagnostics Criteria. Collection method: clinical testing. Allele origin: germline. Inheritance: X-linked recessive inheritance.
Comment: X-linked recessive inheritance

Literature cited by the submitters: PubMed 11524473 (cited by Athena Diagnostics); PubMed 19937601 (cited by Athena Diagnostics).

NM_004006.3(DMD):c.10133del (p.Asn3378fs)

Gene: DMD (dystrophin; minus strand). Cytogenetic location: Xp21.2.
Variant type: Deletion.
Coding change: c.10133del on transcript NM_004006.3 (MANE Select); coding-DNA position 10133, one base deleted (A; older notation c.10133delA).
Protein change: p.Asn3378fs; shifts the reading frame from asparagine 3378.
Molecular consequence: frameshift variant.
Genome position (GRCh38, 1-based): chrX:31,178,759, T deleted on the plus strand (A on the coding strand, the reverse complement: DMD is on the minus strand); the first of 6 consecutive T bases (chrX:31,178,759-31,178,764); deleting any one gives the same sequence. VCF-style (leftmost placement, unchanged base first): chrX-31178758-GT-G. GRCh37 (hg19) VCF-style: chrX-31196875-GT-G.
Other names: c.10109del, p.Asn3370fs (NM_000109.4); c.10121del, p.Asn3374fs (NM_004009.3); c.9764del, p.Asn3255fs (NM_004010.3); c.6110del, p.Asn2037fs (NM_004011.4); c.6101del, p.Asn2034fs (NM_004012.4); c.2753del, p.Asn918fs (NM_004013.3, NM_004020.4, NM_004021.3 and 2 more transcripts); c.1946del, p.Asn649fs (NM_004014.3); c.929del, p.Asn310fs (NM_004015.3, NM_004016.3, NM_004017.3 and 2 more transcripts); short protein forms N2034fs, N310fs, N3370fs, N649fs, N3374fs, N3378fs, N2037fs, N3255fs.
Identifiers: ClinVar variation 217171 (VCV000217171.3), dbSNP rs863224975, ClinGen allele CA347537.